The following is an entry in ClinVar:

ClinVar aggregate classification (germline): Benign. Review status: criteria provided, single submitter (1 of 4 stars). 2 submissions from 2 submitters: Benign (1). 1 of the submissions does not count toward it. Last evaluated 2019-12-31.

Conditions:
NOS1-related disorder. Also called: NOS1-related condition.

Allele frequency attached by ClinVar (database versions not stated): gnomAD exomes 0.00067 and 0.00180; ExAC 0.00226; 1000 Genomes Project 0.00519; 1000 Genomes Project 30x 0.00562; gnomAD 0.00730 and 0.00793; TOPMed 0.00818; ESP Exome Variant Server 0.00843.
gnomAD v4.1: 2,137 of 1,613,878 alleles (0.13%); highest among the groups gnomAD compares: African/African-American, 2.5%; 29 homozygotes.

Submissions (2):

Labcorp Genetics (formerly Invitae), Labcorp
Classification: Benign. Last evaluated: 2019-12-31. Review status: criteria provided, single submitter. Criteria: Invitae Variant Classification Sherloc (09022015). Collection method: clinical testing. Allele origin: germline.

PreventionGenetics, part of Exact Sciences
Classification: Benign for NOS1-related condition. Last evaluated: 2019-11-25. Review status: no assertion criteria provided. Collection method: clinical testing. Allele origin: germline. Not counted in ClinVar's aggregate classification.
Comment: This variant is classified as benign based on ACMG/AMP sequence variant interpretation guidelines (Richards et al. 2015 PMID: 25741868, with internal and published modifications).

NM_000620.5(NOS1):c.2173A>G (p.Asn725Asp)

Gene: NOS1 (nitric oxide synthase 1; minus strand). Cytogenetic location: 12q24.22.
Variant type: single nucleotide variant.
Coding change: c.2173A>G on transcript NM_000620.5 (MANE Select); coding-DNA position 2173, A replaced by G.
Protein change: p.Asn725Asp; replaces asparagine 725 with aspartic acid.
Molecular consequence: missense variant.
Genome position (GRCh38, 1-based): chr12:117,263,938, T>C on the plus strand (A>G on the coding strand, the complement: NOS1 is on the minus strand). VCF-style: chr12-117263938-T-C. GRCh37 (hg19) VCF-style: chr12-117701743-T-C.
Other names: c.1165A>G, p.Asn389Asp (NM_001204213.2, NM_001204214.2); c.2173A>G, p.Asn725Asp (NM_001204218.2); c.2173A>G (NM_001204218.1); short protein forms N725D, N389D.
Identifiers: ClinVar variation 790129 (VCV000790129.6), dbSNP rs9658403, ClinGen allele CA6814945.
Genomic context (GRCh38, chr12:117,263,938, plus strand): 5'-ACGAAACTTACTCTGCTAGCTTCTTGAAGCCAATGGCTCGCCGCTTTGTGGGGGTCCCGT[T>C]GGTGCCTTTCCAGACATGCGTGTTCCAGGGATCAGGCTGGGAAGAGAAGGAGAGGGCTAT-3'
Protein context (NP_000611.1, residues 715-735): PWNTHVWKGT[Asn725Asp]GTPTKRRAIG